The following is an entry in ClinVar:

NM_001844.5(COL2A1):c.1366-1G>C

Gene: COL2A1 (collagen type II alpha 1 chain; minus strand). Cytogenetic location: 12q13.11.
Variant type: single nucleotide variant.
Coding change: c.1366-1G>C on transcript NM_001844.5 (MANE Select); the canonical splice acceptor site of the intron before coding-DNA position 1366, G replaced by C.
Molecular consequence: splice acceptor variant.
Genome position (GRCh38, 1-based): chr12:47,986,889, C>G on the plus strand (G>C on the coding strand, the complement: COL2A1 is on the minus strand). VCF-style: chr12-47986889-C-G. GRCh37 (hg19) VCF-style: chr12-48380672-C-G.
Other names: c.1159-1G>C (NM_033150.3).
Identifiers: ClinVar variation 2137342 (VCV002137342.4), dbSNP rs2136574259, ClinGen allele CA384553457.

ClinVar aggregate classification (germline): Likely pathogenic (1 of 4 stars; one submission).

Submission:

Labcorp Genetics (formerly Invitae), Labcorp
Classification: Likely pathogenic. Last evaluated: 2022-04-08. Review status: criteria provided, single submitter. Criteria: Invitae Variant Classification Sherloc (09022015). Collection method: clinical testing. Allele origin: germline.
Comment: In summary, the currently available evidence indicates that the variant is pathogenic, but additional data are needed to prove that conclusively. Therefore, this variant has been classified as Likely Pathogenic. Algorithms developed to predict the effect of sequence changes on RNA splicing suggest that this variant may disrupt the consensus splice site. This sequence change affects an acceptor splice site in intron 21 of the COL2A1 gene. It is expected to disrupt RNA splicing. Variants that disrupt the donor or acceptor splice site typically lead to a loss of protein function (PMID: 16199547), and loss-of-function variants in COL2A1 are known to be pathogenic (PMID: 20179744). This variant is not present in population databases (gnomAD no frequency). Disruption of this splice site has been observed in individual(s) with early-onset high myopia (PMID: 26747767).

Literature cited by the submitters: PubMed 16199547; PubMed 20179744; PubMed 26747767.